The following is an entry in ClinVar:

ClinVar aggregate classification (germline): Uncertain significance (1 of 4 stars; one submission).

Conditions:
Autosomal recessive limb-girdle muscular dystrophy type 2A (LGMDR1). Also called: Limb-girdle muscular dystrophy, type 2A; Calpainopathy; LEYDEN-MOEBIUS MUSCULAR DYSTROPHY; MUSCULAR DYSTROPHY, PELVOFEMORAL; Muscular dystrophy, limb-girdle, type 2A, Amish. Identifiers: Orphanet 267, MedGen C1869123, MONDO:0009675, OMIM 253600. Disease mechanism: loss of function.

Allele frequency attached by ClinVar (database versions not stated): gnomAD exomes below 0.00001.
gnomAD v4.1: 1 of 1,614,220 alleles (0.000062%); highest among the groups gnomAD compares: Non-Finnish European, 0.000085%; no homozygotes.

Submission:

Labcorp Genetics (formerly Invitae), Labcorp
Classification: Uncertain significance for Limb-girdle muscular dystrophy, type 2A. Last evaluated: 2019-11-14. Review status: criteria provided, single submitter. Criteria: Invitae Variant Classification Sherloc (09022015). Collection method: clinical testing. Allele origin: germline.
Comment: This sequence change replaces isoleucine with valine at codon 54 of the CAPN3 protein (p.Ile54Val). The isoleucine residue is highly conserved and there is a small physicochemical difference between isoleucine and valine. This variant is not present in population databases (ExAC no frequency). This variant has not been reported in the literature in individuals with CAPN3-related conditions. Algorithms developed to predict the effect of missense changes on protein structure and function are either unavailable or do not agree on the potential impact of this missense change (SIFT: "Deleterious"; PolyPhen-2: "Benign"; Align-GVGD: "Class C0"). In summary, the available evidence is currently insufficient to determine the role of this variant in disease. Therefore, it has been classified as a Variant of Uncertain Significance.

NM_000070.3(CAPN3):c.160A>G (p.Ile54Val)

Gene: CAPN3 (calpain 3; plus strand). Cytogenetic location: 15q15.1.
Variant type: single nucleotide variant.
Coding change: c.160A>G on transcript NM_000070.3 (MANE Select); coding-DNA position 160, A replaced by G.
Protein change: p.Ile54Val; replaces isoleucine 54 with valine.
Molecular consequence: missense variant.
Genome position (GRCh38, 1-based): chr15:42,359,965, A>G. VCF-style: chr15-42359965-A-G. GRCh37 (hg19) VCF-style: chr15-42652163-A-G.
Other names: c.160A>G, p.Ile54Val (NM_024344.2, NM_173087.2); short protein forms I54V.
Identifiers: ClinVar variation 962150 (VCV000962150.1), dbSNP rs2052596155, ClinGen allele CA391994585.